The following is an entry in ClinVar:

NM_001374504.1(TMPRSS6):c.1342+4A>T

Gene: TMPRSS6 (transmembrane serine protease 6; minus strand). Cytogenetic location: 22q12.3.
Variant type: single nucleotide variant.
Coding change: c.1342+4A>T on transcript NM_001374504.1 (MANE Select); 4 bases into the intron after coding-DNA position 1342, A replaced by T.
Molecular consequence: intron variant.
Genome position (GRCh38, 1-based): chr22:37,075,131, T>A on the plus strand (A>T on the coding strand, the complement: TMPRSS6 is on the minus strand). VCF-style: chr22-37075131-T-A. GRCh37 (hg19) VCF-style: chr22-37471171-T-A.
Other names: c.1342+4A>T (NM_001289000.2, NM_001289001.2, NM_153609.4).
Identifiers: ClinVar variation 3030164 (VCV003030164.2), dbSNP rs1015906640, ClinGen allele CA324050173.

ClinVar aggregate classification (germline): Uncertain significance (0 of 4 stars; one submission).

Conditions:
TMPRSS6-related disorder. Also called: TMPRSS6-related condition.

Allele frequency attached by ClinVar (database versions not stated): gnomAD exomes 0.00001; gnomAD 0.00003; TOPMed 0.00005.
gnomAD v4.1: 14 of 1,613,548 alleles (0.00087%); highest among the groups gnomAD compares: Admixed American, 0.0083%; 1 homozygote.

Submission:

PreventionGenetics, part of Exact Sciences
Classification: Uncertain significance for TMPRSS6-related condition. Last evaluated: 2024-01-30. Review status: no assertion criteria provided. Collection method: clinical testing. Allele origin: germline.
Comment: The TMPRSS6 c.1369+4A>T variant is predicted to interfere with splicing. This variant has been reported with other TMPRSS6 polymorphisms in two dizygotic twins with ferropenic, hypochromic microcytic anemia (referred to as c.1396+4A>T, Pinto et al. 2017. PubMed ID: 28491880). To our knowledge, this variant has not been reported in a large population database, indicating this variant is rare. Although we suspect that this variant may be pathogenic, at this time, the clinical significance of this variant is uncertain due to the absence of conclusive functional and genetic evidence.